The following is an entry in ClinVar:

ClinVar aggregate classification (germline): Uncertain significance (1 of 4 stars; one submission).

Allele frequency attached by ClinVar (database versions not stated): gnomAD exomes below 0.00001.
gnomAD v4.1: 1 of 1,607,874 alleles (0.000062%); highest among the groups gnomAD compares: Non-Finnish European, 0.000085%; no homozygotes.

Submission:

Ambry Genetics
Classification: Uncertain significance. Last evaluated: 2022-03-29. Review status: criteria provided, single submitter. Criteria: Ambry Variant Classification Scheme 2023. Collection method: clinical testing. Allele origin: germline.
Comment: The p.I2578V variant (also known as c.7732A>G), located in coding exon 30 of the POLQ gene, results from an A to G substitution at nucleotide position 7732. The isoleucine at codon 2578 is replaced by valine, an amino acid with highly similar properties. This amino acid position is conserved. In addition, the in silico prediction for this alteration is inconclusive. Since supporting evidence is limited at this time, the clinical significance of this alteration remains unclear.

NM_199420.4(POLQ):c.7732A>G (p.Ile2578Val)

Gene: POLQ (DNA polymerase theta; minus strand). Cytogenetic location: 3q13.33.
Variant type: single nucleotide variant.
Coding change: c.7732A>G on transcript NM_199420.4 (MANE Select); coding-DNA position 7732, A replaced by G.
Protein change: p.Ile2578Val; replaces isoleucine 2578 with valine.
Molecular consequence: missense variant.
Genome position (GRCh38, 1-based): chr3:121,432,345, T>C on the plus strand (A>G on the coding strand, the complement: POLQ is on the minus strand). VCF-style: chr3-121432345-T-C. GRCh37 (hg19) VCF-style: chr3-121151192-T-C.
Other names: short protein forms I2578V.
Identifiers: ClinVar variation 1760363 (VCV001760363.2), dbSNP rs2047501200, ClinGen allele CA354092641.